The following is an entry in ClinVar:

ClinVar aggregate classification (germline): Uncertain significance. Review status: criteria provided, multiple submitters, no conflicts (2 of 4 stars). 2 submissions from 2 submitters: Uncertain significance (2). Last evaluated 2025-09-17.

gnomAD v4.1: 6 of 1,610,366 alleles (0.00037%); highest among the groups gnomAD compares: Non-Finnish European, 0.00042%; no homozygotes.

Submissions (2):

Women's Health and Genetics/Laboratory Corporation of America, LabCorp
Classification: Uncertain significance. Last evaluated: 2025-09-17. Review status: criteria provided, single submitter. Criteria: LabCorp Variant Classification Summary - May 2015. Collection method: clinical testing. Allele origin: germline.
Comment: Variant summary: ADAMTS2 c.689G>A (p.Gly230Glu) results in a non-conservative amino acid change in the encoded protein sequence. Algorithms developed to predict the effect of missense changes on protein structure and function are either unavailable or do not agree on the potential impact of this missense change. Consensus agreement among computation tools predict no significant impact on normal splicing. However, these predictions have yet to be confirmed by functional studies. The variant allele was found at a frequency of 4e-06 in 248146 control chromosomes. The available data on variant occurrences in the general population are insufficient to allow any conclusion about variant significance. To our knowledge, no occurrence of c.689G>A in individuals affected with ADAMTS2-related conditions and no experimental evidence demonstrating its impact on protein function have been reported. ClinVar contains an entry for this variant (Variation ID: 3252153). Based on the evidence outlined above, the variant was classified as uncertain significance.

GeneDx
Classification: Uncertain significance. Last evaluated: 2024-06-27. Review status: criteria provided, single submitter. Criteria: GeneDx Variant Classification Process June 2021. Collection method: clinical testing. Allele origin: germline. Affected: yes.
Comment: Not observed at significant frequency in large population cohorts (gnomAD); In silico analysis indicates that this missense variant does not alter protein structure/function; Has not been previously published as pathogenic or benign to our knowledge

NM_014244.5(ADAMTS2):c.689G>A (p.Gly230Glu)

Gene: ADAMTS2 (ADAM metallopeptidase with thrombospondin type 1 motif 2; minus strand). Cytogenetic location: 5q35.3.
Variant type: single nucleotide variant.
Coding change: c.689G>A on transcript NM_014244.5 (MANE Select); coding-DNA position 689, G replaced by A.
Protein change: p.Gly230Glu; replaces glycine 230 with glutamic acid.
Molecular consequence: missense variant.
Genome position (GRCh38, 1-based): chr5:179,207,715, C>T on the plus strand (G>A on the coding strand, the complement: ADAMTS2 is on the minus strand). VCF-style: chr5-179207715-C-T. GRCh37 (hg19) VCF-style: chr5-178634716-C-T.
Other names: c.689G>A, p.Gly230Glu (NM_021599.4); short protein forms G230E.
Identifiers: ClinVar variation 3252153 (VCV003252153.2), dbSNP rs201261427.